The following is an entry in ClinVar:

ClinVar aggregate classification (germline): Conflicting classifications of pathogenicity. Review status: criteria provided, conflicting classifications (1 of 4 stars). 4 submissions from 4 submitters: Uncertain significance (2); Likely benign (1). 1 of the submissions does not count toward it. Last evaluated 2026-01-19.

Conditions:
Congenital myasthenic syndrome 20. Also called: Myasthenic syndrome, congenital, 20, presynaptic. Identifiers: MedGen C4310694, MONDO:0014939, OMIM 617143.
Neuronopathy, distal hereditary motor, type 7A. Also called: Neuronopathy, distal hereditary motor, type viia; NEURONOPATHY, DISTAL HEREDITARY MOTOR, HARDING TYPE VIIA; NEUROPATHY, DISTAL HEREDITARY MOTOR, HARDING TYPE VIIA; Neuronopathy, distal hereditary motor, autosomal dominant 7; SPINAL MUSCULAR ATROPHY, DISTAL, WITH VOCAL CORD PARALYSIS; HARPER-YOUNG MYOPATHY. Identifiers: Orphanet 139589, MedGen C1834703, MONDO:0008024, OMIM 158580.
Inborn genetic diseases. Identifiers: MedGen C0950123, MeSH D030342.
Distal spinal muscular atrophy. Also called: Distal hereditary motor neuropathy; Distal hereditary motor neuronopathy. Identifiers: Orphanet 53739, MedGen C0393541, MONDO:0018894.

Allele frequency attached by ClinVar (database versions not stated): ExAC 0.00002; gnomAD exomes 0.00002 and 0.00006; gnomAD 0.00013 and 0.00014; TOPMed 0.00014.
gnomAD v4.1: 47 of 1,613,788 alleles (0.0029%); highest among the groups gnomAD compares: Admixed American, 0.055%; no homozygotes.

Submissions (4):

Labcorp Genetics (formerly Invitae), Labcorp
Classification: Uncertain significance for Neuronopathy, distal hereditary motor, type 7A; Congenital myasthenic syndrome 20. Last evaluated: 2026-01-19. Review status: criteria provided, single submitter. Criteria: Invitae Variant Classification Sherloc (09022015). Collection method: clinical testing. Allele origin: germline.
Comment: This sequence change replaces valine, which is neutral and non-polar, with isoleucine, which is neutral and non-polar, at codon 517 of the SLC5A7 protein (p.Val517Ile). This variant is present in population databases (rs773393717, gnomAD 0.04%). This variant has not been reported in the literature in individuals affected with SLC5A7-related conditions. ClinVar contains an entry for this variant (Variation ID: 549706). Invitae Evidence Modeling of protein sequence and biophysical properties (such as structural, functional, and spatial information, amino acid conservation, physicochemical variation, residue mobility, and thermodynamic stability) indicates that this missense variant is not expected to disrupt SLC5A7 protein function with a negative predictive value of 80%. In summary, the available evidence is currently insufficient to determine the role of this variant in disease. Therefore, it has been classified as a Variant of Uncertain Significance.

Blueprint Genetics
Classification: Uncertain significance. Last evaluated: 2024-05-23. Review status: criteria provided, single submitter. Criteria: ACMG Guidelines, 2015. Collection method: clinical testing. Allele origin: germline.

Ambry Genetics
Classification: Likely benign for Inborn genetic diseases. Last evaluated: 2020-02-11. Review status: criteria provided, single submitter. Criteria: Ambry Variant Classification Scheme 2023. Collection method: clinical testing. Allele origin: germline.

Institute of Human Genetics, Cologne University
Classification: Uncertain significance for Distal spinal muscular atrophy. Last evaluated: 2018-04-26. Review status: no assertion criteria provided. Collection method: clinical testing. Allele origin: maternal. Affected: yes. Not counted in ClinVar's aggregate classification.

NM_021815.5(SLC5A7):c.1549G>A (p.Val517Ile)

Gene: SLC5A7 (solute carrier family 5 member 7; plus strand). Cytogenetic location: 2q12.3.
Variant type: single nucleotide variant.
Coding change: c.1549G>A on transcript NM_021815.5 (MANE Select); coding-DNA position 1549, G replaced by A.
Protein change: p.Val517Ile; replaces valine 517 with isoleucine.
Molecular consequence: missense variant.
Genome position (GRCh38, 1-based): chr2:108,010,667, G>A. VCF-style: chr2-108010667-G-A. GRCh37 (hg19) VCF-style: chr2-108627123-G-A.
Other names: c.1549G>A, p.Val517Ile (NM_001305005.3); c.1234G>A, p.Val412Ile (NM_001305006.3); c.808G>A, p.Val270Ile (NM_001305007.3); short protein forms V517I, V412I, V270I.
Identifiers: ClinVar variation 549706 (VCV000549706.11), dbSNP rs773393717, ClinGen allele CA1819194.